The following is an entry in ClinVar:

NM_001394062.1(MACF1):c.3583T>G (p.Leu1195Val)

Gene: MACF1 (microtubule actin crosslinking factor 1; plus strand). Cytogenetic location: 1p34.3.
Variant type: single nucleotide variant.
Coding change: c.3583T>G on transcript NM_001394062.1 (MANE Select); coding-DNA position 3583, T replaced by G.
Protein change: p.Leu1195Val; replaces leucine 1195 with valine.
Molecular consequence: missense variant.
Genome position (GRCh38, 1-based): chr1:39,316,524, T>G. VCF-style: chr1-39316524-T-G. GRCh37 (hg19) VCF-style: chr1-39782196-T-G.
Other names: c.3598T>G, p.Leu1200Val (NM_012090.5); short protein forms L1195V, L1200V.
Identifiers: ClinVar variation 3048528 (VCV003048528.2), dbSNP rs1227857217, ClinGen allele CA339784370.
Genomic context (GRCh38, chr1:39,316,524, plus strand): 5'-CTGAGTCAAGAAGAAGTAGTACTGGCAGATCTCTCAGCTCTGGAGGCCCATTGGTCGACA[T>G]TACGGGTGAGTTGCTCTGAGTTTCTTAGGAGGTTGACCTAACATATTCATTGCTTTGGGT-3'
Protein context (NP_001380991.1, residues 1185-1205): LSALEAHWST[Leu1195Val]RHWLSDVKDK

ClinVar aggregate classification (germline): Likely benign (0 of 4 stars; one submission).

Conditions:
MACF1-related disorder. Also called: MACF1-related condition.

Allele frequency attached by ClinVar (database versions not stated): gnomAD exomes below 0.00001.
gnomAD v4.1: 5 of 1,612,382 alleles (0.00031%); highest among the groups gnomAD compares: Non-Finnish European, 0.000085%; no homozygotes.

Submission:

PreventionGenetics, part of Exact Sciences
Classification: Likely benign for MACF1-related condition. Last evaluated: 2023-08-11. Review status: no assertion criteria provided. Collection method: clinical testing. Allele origin: germline.
Comment: This variant is classified as likely benign based on ACMG/AMP sequence variant interpretation guidelines (Richards et al. 2015 PMID: 25741868, with internal and published modifications).